The following is an entry in ClinVar:

ClinVar aggregate classification (germline): Likely benign. Review status: criteria provided, multiple submitters, no conflicts (2 of 4 stars). 2 submissions from 2 submitters: Likely benign (2). Last evaluated 2017-02-17.

Allele frequency attached by ClinVar (database versions not stated): 1000 Genomes Project 0.00160; 1000 Genomes Project 30x 0.00203; gnomAD exomes 0.00349 and 0.00590; gnomAD 0.00362 and 0.00371; TOPMed 0.00380; ESP Exome Variant Server 0.00415; ExAC 0.00714.
gnomAD v4.1: 8,920 of 1,584,382 alleles (0.56%); highest among the groups gnomAD compares: Non-Finnish European, 0.69%; 27 homozygotes.

Submissions (2):

Center for Pediatric Genomic Medicine, Children's Mercy Hospital and Clinics
Classification: Likely benign. Last evaluated: 2017-02-17. Review status: criteria provided, single submitter. Criteria: ACMG Guidelines, 2015. Collection method: clinical testing. Allele origin: germline.
ClinVar note: Converted during submission from Likely Benign to Likely benign.

Breakthrough Genomics
Classification: Likely benign. Review status: criteria provided, single submitter. Criteria: ACMG Guidelines, 2015. Collection method: not provided. Allele origin: germline. Inheritance: Autosomal recessive inheritance. Affected: yes.

NM_007180.3(TREH):c.419A>G (p.Lys140Arg)

Gene: TREH (trehalase; minus strand). Cytogenetic location: 11q23.3.
Variant type: single nucleotide variant.
Coding change: c.419A>G on transcript NM_007180.3 (MANE Select); coding-DNA position 419, A replaced by G.
Protein change: p.Lys140Arg; replaces lysine 140 with arginine.
Molecular consequence: missense variant.
Genome position (GRCh38, 1-based): chr11:118,662,885, T>C on the plus strand (A>G on the coding strand, the complement: TREH is on the minus strand). VCF-style: chr11-118662885-T-C. GRCh37 (hg19) VCF-style: chr11-118533594-T-C.
Other names: c.419A>G, p.Lys140Arg (NM_001301065.2); short protein forms K140R.
Identifiers: ClinVar variation 377170 (VCV000377170.4), dbSNP rs34978247, ClinGen allele CA6308139.